The following is an entry in ClinVar:

NC_000004.12:g.88007437G>A

Genes: PKD2 (polycystin 2, transient receptor potential cation channel; plus strand), LOC129992813 (ATAC-STARR-seq lymphoblastoid silent region 15559; plus strand). Cytogenetic location: 4q22.1.
Variant type: single nucleotide variant.
Genome position: GRCh38 VCF-style: chr4-88007437-G-A. GRCh37 (hg19) VCF-style: chr4-88928589-G-A.
Identifiers: ClinVar variation 1684060 (VCV001684060.3), dbSNP rs543774467, ClinGen allele CA100872633.
Genomic context (GRCh38, chr4:88,007,437, plus strand): 5'-CTGGCGGGTGAGCGATTCCCTCCCTTCCCAGGCCTTCCCGGGAATGGAACGTGGGCGCCC[G>A]CGCCCGGGCTCCGGTTCCACTTGGAACGCGGACTCGGGAGCCGCCGGGCGAGCGCGCAGA-3'

ClinVar aggregate classification (germline): Likely benign (1 of 4 stars; one submission).

Allele frequency attached by ClinVar (database versions not stated): 1000 Genomes Project 30x 0.00265; 1000 Genomes Project 0.00280; gnomAD 0.00356 and 0.00387; TOPMed 0.00433.

Submission:

GeneDx
Classification: Likely benign. Last evaluated: 2021-11-11. Review status: criteria provided, single submitter. Criteria: GeneDx Variant Classification Process June 2021. Collection method: clinical testing. Allele origin: germline. Affected: yes.
Comment: See Variant Classification Assertion Criteria.